The following is an entry in ClinVar:

NM_000718.4(CACNA1B):c.4377G>C (p.Ser1459=)

Gene: CACNA1B (calcium voltage-gated channel subunit alpha1 B; plus strand). Cytogenetic location: 9q34.3.
Variant type: single nucleotide variant.
Coding change: c.4377G>C on transcript NM_000718.4 (MANE Select); coding-DNA position 4377, G replaced by C.
Protein change: p.Ser1459=; no amino-acid change (serine 1459 retained).
Molecular consequence: synonymous variant.
Genome position (GRCh38, 1-based): chr9:138,058,637, G>C. VCF-style: chr9-138058637-G-C. GRCh37 (hg19) VCF-style: chr9-140953089-G-C.
Other names: c.4377G>C, p.Ser1459= (NM_001243812.2).
Identifiers: ClinVar variation 3771794 (VCV003771794.13).
Genomic context (GRCh38, chr9:138,058,637, plus strand): 5'-CATTGACTTCGCCATCAGCGCCAAACCCCTGACACGGTACATGCCCCAAAACCGGCAGTC[G>C]TTCCAGTATAAGACGTGGACATTTGTGGTCTCCCCGCCCTTTGAATACTTCATCATGGCC-3'
Protein context (NP_000709.1, residues 1449-1469): LTRYMPQNRQ[Ser1459=]FQYKTWTFVV

ClinVar aggregate classification (germline): Likely benign (1 of 4 stars; one submission).

gnomAD v4.1: 2 of 1,613,878 alleles (0.00012%); highest among the groups gnomAD compares: Non-Finnish European, 0.00017%; no homozygotes.

Submission:

CeGaT Center for Human Genetics Tuebingen
Classification: Likely benign. Last evaluated: 2024-12-01. Review status: criteria provided, single submitter. Criteria: CeGaT Center For Human Genetics Tuebingen Variant Classification Criteria Version 2. Collection method: clinical testing. Allele origin: germline. Affected: yes. Observed: 1 variant allele.
Comment: CACNA1B: BP4, BP7